The following is an entry in ClinVar:

ClinVar aggregate classification (germline): Uncertain significance (1 of 4 stars; one submission).

Submission:

GeneDx
Classification: Uncertain significance. Last evaluated: 2022-04-22. Review status: criteria provided, single submitter. Criteria: GeneDx Variant Classification Process June 2021. Collection method: clinical testing. Allele origin: germline. Affected: yes.
Comment: Not observed at significant frequency in large population cohorts (gnomAD); In silico analysis supports that this missense variant does not alter protein structure/function; Has not been previously published as pathogenic or benign to our knowledge

NM_001282531.3(ADNP):c.2056C>A (p.His686Asn)

Gene: ADNP (activity dependent neuroprotector homeobox; minus strand). Cytogenetic location: 20q13.13.
Variant type: single nucleotide variant.
Coding change: c.2056C>A on transcript NM_001282531.3 (MANE Select); coding-DNA position 2056, C replaced by A.
Protein change: p.His686Asn; replaces histidine 686 with asparagine.
Molecular consequence: missense variant.
Genome position (GRCh38, 1-based): chr20:50,892,658, G>T on the plus strand (C>A on the coding strand, the complement: ADNP is on the minus strand). VCF-style: chr20-50892658-G-T. GRCh37 (hg19) VCF-style: chr20-49509195-G-T.
Other names: c.2056C>A, p.His686Asn (NM_001282532.2, NM_001347511.2, NM_015339.5 and 1 more transcripts); short protein forms H686N.
Identifiers: ClinVar variation 1712040 (VCV001712040.2), dbSNP rs2122747938, ClinGen allele CA408971331.